The following is an entry in ClinVar:

ClinVar aggregate classification (germline): Uncertain significance. Review status: criteria provided, multiple submitters, no conflicts (2 of 4 stars). 3 submissions from 3 submitters: Uncertain significance (3). Last evaluated 2024-08-05.

Conditions:
Cranioectodermal dysplasia 2 (CED2). Identifiers: Orphanet 1515, MedGen C3150874, MONDO:0013323, OMIM 613610.
Short-rib thoracic dysplasia 7 with or without polydactyly (SRTD7). Also called: Short rib polydactyly syndrome 5; SHORT-RIB THORACIC DYSPLASIA 7 WITH POLYDACTYLY. Identifiers: Orphanet 498497, Orphanet 93271, MedGen C3279792, MONDO:0013569, OMIM 614091.

Allele frequency attached by ClinVar (database versions not stated): gnomAD exomes 0.00001.
gnomAD v4.1: 19 of 1,613,976 alleles (0.0012%); highest among the groups gnomAD compares: Middle Eastern, 0.017%; no homozygotes.

Submissions (3):

GeneDx
Classification: Uncertain significance. Last evaluated: 2024-08-05. Review status: criteria provided, single submitter. Criteria: GeneDx Variant Classification Process June 2021. Collection method: clinical testing. Allele origin: germline. Affected: yes.
Comment: Not observed at significant frequency in large population cohorts (gnomAD); In silico analysis indicates that this missense variant does not alter protein structure/function; Has not been previously published as pathogenic or benign to our knowledge

Fulgent Genetics
Classification: Uncertain significance for Cranioectodermal dysplasia 2; Short-rib thoracic dysplasia 7 with or without polydactyly. Last evaluated: 2024-05-27. Review status: criteria provided, single submitter. Criteria: ACMG Guidelines, 2015. Collection method: clinical testing. Allele origin: germline.

Labcorp Genetics (formerly Invitae), Labcorp
Classification: Uncertain significance for Cranioectodermal dysplasia 2; Short-rib thoracic dysplasia 7 with or without polydactyly. Last evaluated: 2022-05-27. Review status: criteria provided, single submitter. Criteria: Invitae Variant Classification Sherloc (09022015). Collection method: clinical testing. Allele origin: germline.
Comment: This sequence change replaces histidine, which is basic and polar, with arginine, which is basic and polar, at codon 657 of the WDR35 protein (p.His657Arg). This variant is not present in population databases (gnomAD no frequency). This variant has not been reported in the literature in individuals affected with WDR35-related conditions. Algorithms developed to predict the effect of missense changes on protein structure and function (SIFT, PolyPhen-2, Align-GVGD) all suggest that this variant is likely to be tolerated. In summary, the available evidence is currently insufficient to determine the role of this variant in disease. Therefore, it has been classified as a Variant of Uncertain Significance.

NM_020779.4(WDR35):c.1937A>G (p.His646Arg)

Gene: WDR35 (WD repeat domain 35; minus strand). Cytogenetic location: 2p24.1.
Variant type: single nucleotide variant.
Coding change: c.1937A>G on transcript NM_020779.4 (MANE Select); coding-DNA position 1937, A replaced by G.
Protein change: p.His646Arg; replaces histidine 646 with arginine.
Molecular consequence: missense variant.
Genome position (GRCh38, 1-based): chr2:19,938,391, T>C on the plus strand (A>G on the coding strand, the complement: WDR35 is on the minus strand). VCF-style: chr2-19938391-T-C. GRCh37 (hg19) VCF-style: chr2-20138152-T-C.
Other names: c.1970A>G (NM_001006657.1); c.1970A>G, p.His657Arg (NM_001006657.2); short protein forms H646R, H657R.
Identifiers: ClinVar variation 2037668 (VCV002037668.3), dbSNP rs979395629, ClinGen allele CA43399345.